The following is an entry in ClinVar:

NM_006031.6(PCNT):c.861G>T (p.Arg287=)

Gene: PCNT (pericentrin; plus strand). Cytogenetic location: 21q22.3.
Variant type: single nucleotide variant.
Coding change: c.861G>T on transcript NM_006031.6 (MANE Select); coding-DNA position 861, G replaced by T.
Protein change: p.Arg287=; no amino-acid change (arginine 287 retained).
Molecular consequence: synonymous variant.
Genome position (GRCh38, 1-based): chr21:46,346,883, G>T. VCF-style: chr21-46346883-G-T. GRCh37 (hg19) VCF-style: chr21-47766797-G-T.
Other names: c.861G>T (NM_006031.5); c.507G>T, p.Arg169= (NM_001315529.2).
Identifiers: ClinVar variation 2871569 (VCV002871569.4), dbSNP rs891341743, ClinGen allele CA321992963.
Genomic context (GRCh38, chr21:46,346,883, plus strand): 5'-CAACCTCCAGAAGGAGAAGGAGACGGCATTGACGGAGCTGCGGGAGATGCTCAACAGCCG[G>T]CGTGCCCAGGAGCTGGCCCTGCTACAGAGCAGGCAGCAGCACGAGCTGGAGCTCCTCAGG-3'
Protein context (NP_006022.3, residues 277-297): LTELREMLNS[Arg287=]RAQELALLQS

ClinVar aggregate classification (germline): Likely benign. Review status: criteria provided, single submitter (1 of 4 stars). 2 submissions from 2 submitters: Likely benign (1). 1 of the submissions does not count toward it. Last evaluated 2024-02-07.

Conditions:
PCNT-related disorder. Also called: PCNT-related condition.

Allele frequency attached by ClinVar (database versions not stated): TOPMed 0.00002; gnomAD 0.00003.
gnomAD v4.1: 39 of 1,607,168 alleles (0.0024%); highest among the groups gnomAD compares: Non-Finnish European, 0.0033%; no homozygotes.

Submissions (2):

Labcorp Genetics (formerly Invitae), Labcorp
Classification: Likely benign. Last evaluated: 2024-02-07. Review status: criteria provided, single submitter. Criteria: Invitae Variant Classification Sherloc (09022015). Collection method: clinical testing. Allele origin: germline.

PreventionGenetics, part of Exact Sciences
Classification: Likely benign for PCNT-related condition. Last evaluated: 2024-08-06. Review status: no assertion criteria provided. Collection method: clinical testing. Allele origin: germline. Not counted in ClinVar's aggregate classification.
Comment: This variant is classified as likely benign based on ACMG/AMP sequence variant interpretation guidelines (Richards et al. 2015 PMID: 25741868, with internal and published modifications).